The following is an entry in ClinVar:

NM_014845.6(FIG4):c.102G>A (p.Thr34=)

Gene: FIG4 (FIG4 phosphoinositide 5-phosphatase; plus strand). Cytogenetic location: 6q21.
Variant type: single nucleotide variant.
Coding change: c.102G>A on transcript NM_014845.6 (MANE Select); coding-DNA position 102, G replaced by A.
Protein change: p.Thr34=; no amino-acid change (threonine 34 retained).
Molecular consequence: synonymous variant.
Genome position (GRCh38, 1-based): chr6:109,715,113, G>A. VCF-style: chr6-109715113-G-A. GRCh37 (hg19) VCF-style: chr6-110036316-G-A.
Identifiers: ClinVar variation 585868 (VCV000585868.14), dbSNP rs145711919, ClinGen allele CA3955671.
Genomic context (GRCh38, chr6:109,715,113, plus strand): 5'-TAATGACATTCCTTTTTATTTATAGAGATACTTTCTAGTTGGGAGCAATAATGCAGAAAC[G>A]AAATATCGTGTCTTGAAGATTGATAGAACAGAACCAAAAGATTTGGTCATAATTGATGAC-3'
Protein context (NP_055660.1, residues 24-44): YFLVGSNNAE[Thr34=]KYRVLKIDRT

ClinVar aggregate classification (germline): Likely benign. Review status: criteria provided, multiple submitters, no conflicts (2 of 4 stars). 4 submissions from 4 submitters: Likely benign (3). 1 of the submissions does not count toward it. Last evaluated 2025-12-18.

Conditions:
Charcot-Marie-Tooth disease type 4. Also called: Charcot-Marie-Tooth, Type 4; Charcot-Marie-Tooth disease, type IV. Identifiers: Orphanet 64749, MedGen C4082197, MONDO:0018995.
FIG4-related disorder. Also called: FIG4-related disorders; FIG4-related condition.
Inborn genetic diseases. Identifiers: MedGen C0950123, MeSH D030342.

Allele frequency attached by ClinVar (database versions not stated): ExAC 0.00009; gnomAD 0.00010; TOPMed 0.00014.
gnomAD v4.1: 104 of 1,604,706 alleles (0.0065%); highest among the groups gnomAD compares: Admixed American, 0.025%; no homozygotes.

Submissions (4):

Labcorp Genetics (formerly Invitae), Labcorp
Classification: Likely benign for Charcot-Marie-Tooth disease type 4. Last evaluated: 2025-12-18. Review status: criteria provided, single submitter. Criteria: Invitae Variant Classification Sherloc (09022015). Collection method: clinical testing. Allele origin: germline.

Ambry Genetics
Classification: Likely benign for Inborn genetic diseases. Last evaluated: 2019-07-11. Review status: criteria provided, single submitter. Criteria: Ambry Variant Classification Scheme 2023. Collection method: clinical testing. Allele origin: germline.

Athena Diagnostics
Classification: Likely benign. Last evaluated: 2018-06-11. Review status: criteria provided, single submitter. Criteria: Athena Diagnostics Criteria. Collection method: clinical testing. Allele origin: germline.

PreventionGenetics, part of Exact Sciences
Classification: Likely benign for FIG4-related condition. Last evaluated: 2024-06-16. Review status: no assertion criteria provided. Collection method: clinical testing. Allele origin: germline. Not counted in ClinVar's aggregate classification.
Comment: This variant is classified as likely benign based on ACMG/AMP sequence variant interpretation guidelines (Richards et al. 2015 PMID: 25741868, with internal and published modifications).